The following is an entry in ClinVar:

NM_001034853.2(RPGR):c.1068TGG[1] (p.Gly358del)

Gene: RPGR (retinitis pigmentosa GTPase regulator; minus strand). Cytogenetic location: Xp11.4.
Variant type: Microsatellite.
Coding change: c.1068TGG[1] on transcript NM_001034853.2 (MANE Select); one copy of the 3-base unit TGG starting at c.1068; the reference has two copies in a row; one copy, 3 bases deleted.
Protein change: p.Gly358del; deletes glycine 358.
Molecular consequence: non-coding transcript variant (on NR_159803.1). On other transcripts: intron variant (2).
Genome position (GRCh38, 1-based): chrX:38,299,128-38,299,130, CCA deleted on the plus strand (TGG on the coding strand, the reverse complement: RPGR is on the minus strand); deleting any 3 consecutive bases within chrX:38,299,128-38,299,134 gives the same sequence; the position shown is the placement nearest the transcript's 3' end. VCF-style (leftmost placement, unchanged base first): chrX-38299127-TCCA-T. GRCh37 (hg19) VCF-style: chrX-38158380-TCCA-T.
Other names: NM_001034853.2:c.1071_1073del; c.1060-1678_1060-1676del (NM_001367251.1, NM_001367246.1); c.1068TGG[1], p.Gly358del (NM_000328.3, NM_001367247.1); c.1065TGG[1], p.Gly357del (NM_001367245.1, NM_001367249.1, NM_001367250.1); c.1098TGG[1], p.Gly368del (NM_001367248.1); short protein forms G357del, G358del, G368del.
Identifiers: ClinVar variation 4072383 (VCV004072383.1).

ClinVar aggregate classification (germline): Uncertain significance (3 of 4 stars; one submission).

Conditions:
RPGR-related retinopathy. Also called: RPGR retinopathy. Identifiers: MedGen CN305589, MONDO:0100437.

Submission:

ClinGen X-linked Inherited Retinal Disease Variant Curation Expert Panel, ClinGen
Classification: Uncertain significance for RPGR-related retinopathy. Last evaluated: 2025-08-01. Review status: reviewed by expert panel. Criteria: ClinGen X LinkedIRD ACMG Specifications RPGR V1.0.0. Collection method: curation. Allele origin: germline. Inheritance: X-linked inheritance.
Comment: NM_001034853.2(RPGR):c.1071_1073del (p.Gly358del) is an in-frame deletion of 3 nucleotides encoding glycine 358, which is part of the RCC1 domain that is known to have functional importance in RPGR (PM4). This variant is absent from gnomAD v4.1.0 (PM2_Supporting). This variant has been reported in at least 1 proband meeting one of the PS4 requirements of some functional vision impairment in affected males by age 30 years and/or decreased or absent cone and/or rod electroretinogram responses, or a female with functional visual abnormality and documentation of a male relative affected with retinitis pigmentosa (PMID: 34745198). However, PS4_Supporting requires at least 2 unrelated probands, so this criterion was not met. The variant has been reported to segregate with retinal dystrophy through at least 1 affected meiosis from 1 family, which is not sufficient to meet the PP1 code (PMID: 34745198). In summary, this variant is classified as a variant of uncertain significance for RPGR-related retinopathy based on the ClinGen X-linked Inherited Retinal Disease Expert Panel Specifications to the ACMG/AMP Variant Interpretation Guidelines for RPGR Version 1.0.0; PM4 and PM2_Supporting. (date of approval 05/16/2025).